The following is an entry in ClinVar:

NM_001127222.2(CACNA1A):c.2837C>T (p.Ser946Phe)

Gene: CACNA1A (calcium voltage-gated channel subunit alpha1 A; minus strand). Cytogenetic location: 19p13.13.
Variant type: single nucleotide variant.
Coding change: c.2837C>T on transcript NM_001127222.2 (MANE Select); coding-DNA position 2837, C replaced by T.
Protein change: p.Ser946Phe; replaces serine 946 with phenylalanine.
Molecular consequence: missense variant.
Genome position (GRCh38, 1-based): chr19:13,298,796, G>A on the plus strand (C>T on the coding strand, the complement: CACNA1A is on the minus strand). VCF-style: chr19-13298796-G-A. GRCh37 (hg19) VCF-style: chr19-13409610-G-A.
Other names: c.2849C>T, p.Ser950Phe (NM_000068.4, NM_023035.3); c.2840C>T, p.Ser947Phe (NM_001127221.2, NM_001174080.2); short protein forms S946F, S947F, S950F.
Identifiers: ClinVar variation 1342077 (VCV001342077.2), dbSNP rs1156960165, ClinGen allele CA404342615.

ClinVar aggregate classification (germline): Uncertain significance (1 of 4 stars; one submission).

Submission:

GeneDx
Classification: Uncertain significance. Last evaluated: 2022-02-14. Review status: criteria provided, single submitter. Criteria: GeneDx Variant Classification Process June 2021. Collection method: clinical testing. Allele origin: germline. Affected: yes.
Comment: Has not been previously published as pathogenic or benign to our knowledge; Not observed at significant frequency in large population cohorts (gnomAD); In silico analysis supports that this missense variant does not alter protein structure/function